The following is an entry in ClinVar:

NM_032888.4(COL27A1):c.3265C>T (p.Gln1089Ter)

Gene: COL27A1 (collagen type XXVII alpha 1 chain; plus strand). Cytogenetic location: 9q32.
Variant type: single nucleotide variant.
Coding change: c.3265C>T on transcript NM_032888.4 (MANE Select); coding-DNA position 3265, C replaced by T.
Protein change: p.Gln1089Ter; replaces glutamine 1089 with a stop codon.
Molecular consequence: nonsense.
Genome position (GRCh38, 1-based): chr9:114,264,939, C>T. VCF-style: chr9-114264939-C-T. GRCh37 (hg19) VCF-style: chr9-117027219-C-T.
Other names: short protein forms Q1089*.
Identifiers: ClinVar variation 2795536 (VCV002795536.3), dbSNP rs2491397213, ClinGen allele CA374596214.

ClinVar aggregate classification (germline): Pathogenic (1 of 4 stars; one submission).

Submission:

Labcorp Genetics (formerly Invitae), Labcorp
Classification: Pathogenic. Last evaluated: 2023-08-18. Review status: criteria provided, single submitter. Criteria: Invitae Variant Classification Sherloc (09022015). Collection method: clinical testing. Allele origin: germline.
Comment: For these reasons, this variant has been classified as Pathogenic. This variant has not been reported in the literature in individuals affected with COL27A1-related conditions. This variant is not present in population databases (gnomAD no frequency). This sequence change creates a premature translational stop signal (p.Gln1089*) in the COL27A1 gene. It is expected to result in an absent or disrupted protein product. Loss-of-function variants in COL27A1 are known to be pathogenic (PMID: 24986830, 28276056).

Literature cited by the submitters: PubMed 24986830; PubMed 28276056.